The following is an entry in ClinVar:

NM_144991.3(TSPEAR):c.1438del (p.Glu480fs)

Gene: TSPEAR (thrombospondin type laminin G domain and EAR repeats; minus strand). Cytogenetic location: 21q22.3.
Variant type: Deletion.
Coding change: c.1438del on transcript NM_144991.3 (MANE Select); coding-DNA position 1438, one base deleted (G; older notation c.1438delG).
Protein change: p.Glu480fs; shifts the reading frame from glutamic acid 480.
Molecular consequence: frameshift variant.
Genome position (GRCh38, 1-based): chr21:44,522,011, C deleted on the plus strand (G on the coding strand, the reverse complement: TSPEAR is on the minus strand); the first of 3 consecutive C bases (chr21:44,522,011-44,522,013); deleting any one gives the same sequence. VCF-style (leftmost placement, unchanged base first): chr21-44522010-TC-T. GRCh37 (hg19) VCF-style: chr21-45941893-TC-T.
Other names: c.1234del, p.Glu412fs (NM_001272037.2); short protein forms E412fs, E480fs.
Identifiers: ClinVar variation 4526656 (VCV004526656.1).

ClinVar aggregate classification (germline): Pathogenic (1 of 4 stars; one submission).

Conditions:
Tooth agenesis, selective, 10 (STHAG10). Identifiers: MedGen C5774277, MONDO:0859339, OMIM 620173.

Submission:

Kasturba Medical College, Manipal, Kasturba Medical College, Manipal, Manipal Academy of Higher Education, Manipal, India
Classification: Pathogenic for Tooth agenesis, selective, 10. Last evaluated: 2025-10-29. Review status: criteria provided, single submitter. Criteria: ACMG Guidelines, 2015. Collection method: research. Allele origin: paternal. Inheritance: Autosomal recessive inheritance. Affected: yes. Observed: 1 compound heterozygote.
Comment: This variant is not observed in homozygous and/or heterozygous state in our in-house data of 3860 exomes and gnomAD database (v4.1.0). This single base pair deletion is predicted to cause shift in the reading frame of the transcript introducing a premature termination codon, which may either result in a truncated protein or trigger nonsense-mediated mRNA decay.